The following is an entry in ClinVar:

NM_000548.5(TSC2):c.2077C>A (p.Leu693Met)

Gene: TSC2 (TSC complex subunit 2; plus strand). Cytogenetic location: 16p13.3.
Variant type: single nucleotide variant.
Coding change: c.2077C>A on transcript NM_000548.5 (MANE Select); coding-DNA position 2077, C replaced by A.
Protein change: p.Leu693Met; replaces leucine 693 with methionine.
Molecular consequence: missense variant. On other transcripts: non-coding transcript variant (5).
Genome position (GRCh38, 1-based): chr16:2,071,914, C>A. VCF-style: chr16-2071914-C-A. GRCh37 (hg19) VCF-style: chr16-2121915-C-A.
Other names: c.1966C>A, p.Leu656Met (NM_001406678.1, NM_001318827.2, NM_001406670.1); c.1930C>A, p.Leu644Met (NM_001406679.1, NM_001318829.2, NM_001406675.1 and 1 more transcripts); c.1477C>A, p.Leu493Met (NM_001406680.1, NM_001406682.1, NM_001406683.1 and 6 more transcripts); c.1615C>A, p.Leu539Met (NM_001406681.1); c.733C>A, p.Leu245Met (NM_001406697.1, NM_001406689.1, NM_001406690.1 and 6 more transcripts); c.475C>A, p.Leu159Met (NM_001406698.1); c.2077C>A, p.Leu693Met (NM_021055.3, NM_001077183.3, NM_001114382.3 and 6 more transcripts); c.2110C>A, p.Leu704Met (NM_001318832.2); and 3 more; short protein forms L159M, L245M, L493M, L539M, L644M, L656M, L674M, L689M.
Identifiers: ClinVar variation 4802856 (VCV004802856.2).

ClinVar aggregate classification (germline): Uncertain significance. Review status: criteria provided, multiple submitters, no conflicts (2 of 4 stars). 2 submissions from 2 submitters: Uncertain significance (2). Last evaluated 2026-03-16.

Conditions:
Tuberous sclerosis 2 (TSC2). Identifiers: Orphanet 805, MedGen C1860707, MONDO:0013199, OMIM 613254.
Hereditary cancer-predisposing syndrome. Also called: Hereditary neoplastic syndrome; Neoplastic Syndromes, Hereditary; Tumor predisposition; Hereditary Cancer Syndrome. Identifiers: Orphanet 140162, MedGen C0027672, MeSH D009386, MONDO:0015356.

Submissions (2):

Ambry Genetics
Classification: Uncertain significance for Hereditary cancer-predisposing syndrome. Last evaluated: 2026-03-16. Review status: criteria provided, single submitter. Criteria: Ambry Variant Classification Scheme 2023. Collection method: clinical testing. Allele origin: germline.
Comment: The p.L693M variant (also known as c.2077C>A), located in coding exon 18 of the TSC2 gene, results from a C to A substitution at nucleotide position 2077. The leucine at codon 693 is replaced by methionine, an amino acid with highly similar properties. This amino acid position is conserved. In addition, the in silico prediction for this alteration is inconclusive. Based on the available evidence, the clinical significance of this variant remains unclear.

Labcorp Genetics (formerly Invitae), Labcorp
Classification: Uncertain significance for Tuberous sclerosis 2. Last evaluated: 2025-09-28. Review status: criteria provided, single submitter. Criteria: Invitae Variant Classification Sherloc (09022015). Collection method: clinical testing. Allele origin: germline.
Comment: This sequence change replaces leucine, which is neutral and non-polar, with methionine, which is neutral and non-polar, at codon 693 of the TSC2 protein (p.Leu693Met). This variant is not present in population databases (gnomAD no frequency). This variant has not been reported in the literature in individuals affected with TSC2-related conditions. Invitae Evidence Modeling of protein sequence and biophysical properties (such as structural, functional, and spatial information, amino acid conservation, physicochemical variation, residue mobility, and thermodynamic stability) indicates that this missense variant is not expected to disrupt TSC2 protein function with a negative predictive value of 95%. In summary, the available evidence is currently insufficient to determine the role of this variant in disease. Therefore, it has been classified as a Variant of Uncertain Significance.